The following is an entry in ClinVar:

ClinVar aggregate classification (germline): Uncertain significance (1 of 4 stars; one submission).

Conditions:
Tall stature-scoliosis-macrodactyly of the great toes syndrome. Also called: Epiphyseal chondrodysplasia, miura type. Identifiers: Orphanet 329191, MedGen C4014690, MONDO:0014401, OMIM 615923.
Acromesomelic dysplasia 1, Maroteaux type (AMD1). Also called: ST. HELENA DYSPLASIA; ACROMESOMELIC DYSPLASIA 1. Identifiers: Orphanet 40, MedGen C1864356, MONDO:0011275, OMIM 602875.

Allele frequency attached by ClinVar (database versions not stated): gnomAD exomes below 0.00001; ExAC 0.00001; gnomAD 0.00001; TOPMed 0.00001.
gnomAD v4.1: 2 of 1,614,032 alleles (0.00012%); highest among the groups gnomAD compares: African/African-American, 0.0027%; no homozygotes.

Submission:

Labcorp Genetics (formerly Invitae), Labcorp
Classification: Uncertain significance for Tall stature-scoliosis-macrodactyly of the great toes syndrome; Acromesomelic dysplasia 1, Maroteaux type. Last evaluated: 2022-10-13. Review status: criteria provided, single submitter. Criteria: Invitae Variant Classification Sherloc (09022015). Collection method: clinical testing. Allele origin: germline.
Comment: In summary, the available evidence is currently insufficient to determine the role of this variant in disease. Therefore, it has been classified as a Variant of Uncertain Significance. Advanced modeling of protein sequence and biophysical properties (such as structural, functional, and spatial information, amino acid conservation, physicochemical variation, residue mobility, and thermodynamic stability) performed at Invitae indicates that this missense variant is not expected to disrupt NPR2 protein function. This variant has not been reported in the literature in individuals affected with NPR2-related conditions. This variant is present in population databases (rs764017273, gnomAD 0.01%). This sequence change replaces proline, which is neutral and non-polar, with serine, which is neutral and polar, at codon 99 of the NPR2 protein (p.Pro99Ser).

NM_003995.4(NPR2):c.295C>T (p.Pro99Ser)

Gene: NPR2 (natriuretic peptide receptor 2; plus strand). Cytogenetic location: 9p13.3.
Variant type: single nucleotide variant.
Coding change: c.295C>T on transcript NM_003995.4 (MANE Select); coding-DNA position 295, C replaced by T.
Protein change: p.Pro99Ser; replaces proline 99 with serine.
Molecular consequence: missense variant.
Genome position (GRCh38, 1-based): chr9:35,792,703, C>T. VCF-style: chr9-35792703-C-T. GRCh37 (hg19) VCF-style: chr9-35792700-C-T.
Other names: c.295C>T, p.Pro99Ser (NM_001378923.1); short protein forms P99S.
Identifiers: ClinVar variation 2183048 (VCV002183048.4), dbSNP rs764017273, ClinGen allele CA5051430.